The following is an entry in ClinVar:

ClinVar aggregate classification (germline): Uncertain significance (1 of 4 stars; one submission).

Submission:

Labcorp Genetics (formerly Invitae), Labcorp
Classification: Uncertain significance. Last evaluated: 2025-11-15. Review status: criteria provided, single submitter. Criteria: Invitae Variant Classification Sherloc (09022015). Collection method: clinical testing. Allele origin: germline.
Comment: This sequence change replaces glycine, which is neutral and non-polar, with aspartic acid, which is acidic and polar, at codon 721 of the SLC7A14 protein (p.Gly721Asp). This variant is not present in population databases (gnomAD no frequency). This variant has not been reported in the literature in individuals affected with SLC7A14-related conditions. An algorithm developed to predict the effect of missense changes on protein structure and function (PolyPhen-2) suggests that this variant is likely to be tolerated. In summary, the available evidence is currently insufficient to determine the role of this variant in disease. Therefore, it has been classified as a Variant of Uncertain Significance.

NM_020949.3(SLC7A14):c.2162G>A (p.Gly721Asp)

Gene: SLC7A14 (solute carrier family 7 member 14; minus strand). Cytogenetic location: 3q26.2.
Variant type: single nucleotide variant.
Coding change: c.2162G>A on transcript NM_020949.3 (MANE Select); coding-DNA position 2162, G replaced by A.
Protein change: p.Gly721Asp; replaces glycine 721 with aspartic acid.
Molecular consequence: missense variant.
Genome position (GRCh38, 1-based): chr3:170,467,209, C>T on the plus strand (G>A on the coding strand, the complement: SLC7A14 is on the minus strand). VCF-style: chr3-170467209-C-T. GRCh37 (hg19) VCF-style: chr3-170184997-C-T.
Other names: short protein forms G721D.
Identifiers: ClinVar variation 4797706 (VCV004797706.1).